The following is an entry in ClinVar:

ClinVar aggregate classification (germline): Conflicting classifications of pathogenicity. Review status: criteria provided, conflicting classifications (1 of 4 stars). 5 submissions from 5 submitters: Uncertain significance (2); Benign (1); Likely benign (2). Last evaluated 2026-01-31.

Conditions:
Cardiovascular phenotype. Identifiers: MedGen CN230736.
Arrhythmogenic right ventricular cardiomyopathy (ARVD). Also called: Arrhythmogenic cardiomyopathy; Cardiomyopathy, ARVC; Arrhythmogenic right ventricular dysplasia; Arrhythmogenic Right Ventricular Cardiomyopathy (ARVC). Identifiers: Orphanet 247, MedGen C0349788, MeSH D019571, MONDO:0016587. Disease mechanism: loss of function. Inheritance: Various modes of inheritance.
Cardiomyopathy (CMYO). Also called: Cardiomyopathies. Identifiers: Orphanet 167848, MedGen C0878544, MONDO:0004994, HP:0001638. Inheritance: Various modes of inheritance.
Arrhythmogenic right ventricular dysplasia 9 (ARVD9). Also called: Arrhythmogenic Right Ventricular Dysplasia/Cardiomyopathy 9; ARRHYTHMOGENIC RIGHT VENTRICULAR DYSPLASIA, FAMILIAL, 9. Identifiers: MedGen C1836906, MONDO:0012180, OMIM 609040.

Allele frequency attached by ClinVar (database versions not stated): gnomAD 0.00001; gnomAD exomes 0.00001 and 0.00004; TOPMed 0.00002; ExAC 0.00005; 1000 Genomes Project 0.00020; 1000 Genomes Project 30x 0.00031.
gnomAD v4.1: 13 of 1,612,752 alleles (0.00081%); highest among the groups gnomAD compares: East Asian, 0.025%; no homozygotes.

Submissions (5):

Labcorp Genetics (formerly Invitae), Labcorp
Classification: Uncertain significance for Arrhythmogenic right ventricular dysplasia 9. Last evaluated: 2026-01-31. Review status: criteria provided, single submitter. Criteria: Invitae Variant Classification Sherloc (09022015). Collection method: clinical testing. Allele origin: germline.
Comment: This sequence change replaces isoleucine, which is neutral and non-polar, with valine, which is neutral and non-polar, at codon 778 of the PKP2 protein (p.Ile778Val). This variant is present in population databases (rs556563706, gnomAD 0.05%). This missense change has been observed in individual(s) with atrioventricular nodal reentry tachycardia (PMID: 32508047). ClinVar contains an entry for this variant (Variation ID: 922435). An algorithm developed to predict the effect of missense changes on protein structure and function (PolyPhen-2) suggests that this variant is likely to be tolerated. In summary, the available evidence is currently insufficient to determine the role of this variant in disease. Therefore, it has been classified as a Variant of Uncertain Significance.

Ambry Genetics
Classification: Benign for Cardiovascular phenotype. Last evaluated: 2025-12-17. Review status: criteria provided, single submitter. Criteria: Ambry Variant Classification Scheme 2023. Collection method: clinical testing. Allele origin: germline.

All of Us Research Program, National Institutes of Health
Classification: Likely benign for Arrhythmogenic right ventricular cardiomyopathy. Last evaluated: 2023-06-28. Review status: criteria provided, single submitter. Criteria: ACMG Guidelines, 2015. Collection method: clinical testing. Allele origin: germline. Inheritance: Autosomal dominant inheritance. Observed: 3 variant alleles, 3 heterozygotes.
Comment: This study involves interpretation of variants in research participants for the purpose of population health screening. Participant phenotype was not available at the time of variant classification. Additional details can be found in publication PMID: 35346344, PMCID: PMC8962531

GeneDx
Classification: Uncertain significance. Last evaluated: 2022-04-28. Review status: criteria provided, single submitter. Criteria: GeneDx Variant Classification Process June 2021. Collection method: clinical testing. Allele origin: germline. Affected: yes.
Comment: Has not been previously published as pathogenic or benign to our knowledge; In silico analysis supports that this missense variant does not alter protein structure/function

Color Diagnostics, LLC DBA Color Health
Classification: Likely benign for Cardiomyopathy. Last evaluated: 2019-09-30. Review status: criteria provided, single submitter. Criteria: ACMG Guidelines, 2015. Collection method: clinical testing. Allele origin: germline.

Literature cited by the submitters: PubMed 32508047 (cited by Labcorp Genetics (formerly Invitae), Labcorp and Ambry Genetics); PubMed 30847666 (cited by Ambry Genetics).

NM_001005242.3(PKP2):c.2200A>G (p.Ile734Val)

Gene: PKP2 (plakophilin 2; minus strand). Cytogenetic location: 12p11.21.
Variant type: single nucleotide variant.
Coding change: c.2200A>G on transcript NM_001005242.3 (MANE Select); coding-DNA position 2200, A replaced by G.
Protein change: p.Ile734Val; replaces isoleucine 734 with valine.
Molecular consequence: missense variant.
Genome position (GRCh38, 1-based): chr12:32,796,266, T>C on the plus strand (A>G on the coding strand, the complement: PKP2 is on the minus strand). VCF-style: chr12-32796266-T-C. GRCh37 (hg19) VCF-style: chr12-32949200-T-C.
Other names: c.2332A>G, p.Ile778Val (NM_004572.4); short protein forms I734V, I778V.
Identifiers: ClinVar variation 922435 (VCV000922435.14), dbSNP rs556563706, ClinGen allele CA034761.